The following is an entry in ClinVar:

ClinVar aggregate classification (germline): Conflicting classifications of pathogenicity. Review status: criteria provided, conflicting classifications (1 of 4 stars). 5 submissions from 5 submitters: Uncertain significance (3); Likely benign (1). 1 of the submissions does not count toward it. Last evaluated 2023-12-18.

Conditions:
Microcephalic osteodysplastic primordial dwarfism type II (MOPD2). Also called: Microcephalic osteodysplastic primordial dwarfism with tooth abnormalities; MOPD II; OSTEODYSPLASTIC PRIMORDIAL DWARFISM, TYPE II. Identifiers: Orphanet 2637, MedGen C0432246, MONDO:0008872, OMIM 210720.
PCNT-related disorder. Also called: PCNT-related condition.

Allele frequency attached by ClinVar (database versions not stated): gnomAD exomes 0.00006 and 0.00012; ESP Exome Variant Server 0.00008; ExAC 0.00009; gnomAD 0.00011; TOPMed 0.00016; 1000 Genomes Project 0.00020; 1000 Genomes Project 30x 0.00031.
gnomAD v4.1: 191 of 1,613,046 alleles (0.012%); highest among the groups gnomAD compares: Admixed American, 0.03%; no homozygotes.

Submissions (5):

ARUP Laboratories, Molecular Genetics and Genomics, ARUP Laboratories
Classification: Likely benign for Microcephalic osteodysplastic primordial dwarfism type II. Last evaluated: 2023-12-18. Review status: criteria provided, single submitter. Criteria: ARUP Molecular Germline Variant Investigation Process 2024. Collection method: clinical testing. Allele origin: germline.

Labcorp Genetics (formerly Invitae), Labcorp
Classification: Uncertain significance. Last evaluated: 2022-05-20. Review status: criteria provided, single submitter. Criteria: Invitae Variant Classification Sherloc (09022015). Collection method: clinical testing. Allele origin: germline.
Comment: This sequence change replaces alanine, which is neutral and non-polar, with valine, which is neutral and non-polar, at codon 1861 of the PCNT protein (p.Ala1861Val). This variant is present in population databases (rs373238616, gnomAD 0.02%). This variant has not been reported in the literature in individuals affected with PCNT-related conditions. ClinVar contains an entry for this variant (Variation ID: 340503). Algorithms developed to predict the effect of missense changes on protein structure and function are either unavailable or do not agree on the potential impact of this missense change (SIFT: "Tolerated"; PolyPhen-2: "Possibly Damaging"; Align-GVGD: "Class C0"). In summary, the available evidence is currently insufficient to determine the role of this variant in disease. Therefore, it has been classified as a Variant of Uncertain Significance.

GeneDx
Classification: Uncertain significance. Last evaluated: 2020-07-30. Review status: criteria provided, single submitter. Criteria: GeneDx Variant Classification Process June 2021. Collection method: clinical testing. Allele origin: germline. Affected: yes.
Comment: Reported in the heterozygous state in a clinically unaffected adult individual in published literature (Chen et al., 2016); In silico analysis supports that this missense variant has a deleterious effect on protein structure/function; Missense variant in a gene in which most reported pathogenic variants are truncating/loss-of-function; This variant is associated with the following publications: (PMID: 27323140)

Illumina Laboratory Services, Illumina
Classification: Uncertain significance for Microcephalic osteodysplastic primordial dwarfism type II. Last evaluated: 2018-01-12. Review status: criteria provided, single submitter. Criteria: ICSL Variant Classification Criteria 13 December 2019. Collection method: clinical testing. Allele origin: germline.

PreventionGenetics, part of Exact Sciences
Classification: Uncertain significance for PCNT-related condition. Last evaluated: 2024-09-07. Review status: no assertion criteria provided. Collection method: clinical testing. Allele origin: germline. Not counted in ClinVar's aggregate classification.
Comment: The PCNT c.5582C>T variant is predicted to result in the amino acid substitution p.Ala1861Val. To our knowledge, this variant has not been reported in the literature. This variant is reported in 0.026% of alleles in individuals of Latino descent in gnomAD. At this time, the clinical significance of this variant is uncertain due to the absence of conclusive functional and genetic evidence.

NM_006031.6(PCNT):c.5582C>T (p.Ala1861Val)

Gene: PCNT (pericentrin; plus strand). Cytogenetic location: 21q22.3.
Variant type: single nucleotide variant.
Coding change: c.5582C>T on transcript NM_006031.6 (MANE Select); coding-DNA position 5582, C replaced by T.
Protein change: p.Ala1861Val; replaces alanine 1861 with valine.
Molecular consequence: missense variant.
Genome position (GRCh38, 1-based): chr21:46,411,655, C>T. VCF-style: chr21-46411655-C-T. GRCh37 (hg19) VCF-style: chr21-47831569-C-T.
Other names: c.5228C>T, p.Ala1743Val (NM_001315529.2); short protein forms A1861V, A1743V.
Identifiers: ClinVar variation 340503 (VCV000340503.18), dbSNP rs373238616, ClinGen allele CA10080032.